The following is an entry in ClinVar:

ClinVar aggregate classification (germline): Uncertain significance (1 of 4 stars; one submission).

gnomAD v4.1: 167 of 1,612,524 alleles (0.01%); highest among the groups gnomAD compares: Non-Finnish European, 0.01%; no homozygotes.

Submission:

Labcorp Genetics (formerly Invitae), Labcorp
Classification: Uncertain significance. Last evaluated: 2025-01-02. Review status: criteria provided, single submitter. Criteria: Invitae Variant Classification Sherloc (09022015). Collection method: clinical testing. Allele origin: germline.
Comment: This sequence change replaces arginine, which is basic and polar, with glutamine, which is neutral and polar, at codon 1109 of the CEP135 protein (p.Arg1109Gln). This variant is present in population databases (rs368917402, gnomAD 0.2%). This variant has not been reported in the literature in individuals affected with CEP135-related conditions. An algorithm developed to predict the effect of missense changes on protein structure and function (PolyPhen-2) suggests that this variant is likely to be disruptive. In summary, the available evidence is currently insufficient to determine the role of this variant in disease. Therefore, it has been classified as a Variant of Uncertain Significance.

NM_025009.5(CEP135):c.3326G>A (p.Arg1109Gln)

Gene: CEP135 (centrosomal protein 135; plus strand). Cytogenetic location: 4q12.
Variant type: single nucleotide variant.
Coding change: c.3326G>A on transcript NM_025009.5 (MANE Select); coding-DNA position 3326, G replaced by A.
Protein change: p.Arg1109Gln; replaces arginine 1109 with glutamine.
Molecular consequence: missense variant.
Genome position (GRCh38, 1-based): chr4:56,024,506, G>A. VCF-style: chr4-56024506-G-A. GRCh37 (hg19) VCF-style: chr4-56890672-G-A.
Other names: short protein forms R1109Q.
Identifiers: ClinVar variation 3715522 (VCV003715522.1).